The following is an entry in ClinVar:

NM_001927.4(DES):c.1201G>A (p.Glu401Lys)

Gene: DES (desmin; plus strand). Cytogenetic location: 2q35.
Variant type: single nucleotide variant.
Coding change: c.1201G>A on transcript NM_001927.4 (MANE Select); coding-DNA position 1201, G replaced by A.
Protein change: p.Glu401Lys; replaces glutamic acid 401 with lysine.
Molecular consequence: missense variant.
Genome position (GRCh38, 1-based): chr2:219,421,517, G>A. VCF-style: chr2-219421517-G-A. GRCh37 (hg19) VCF-style: chr2-220286239-G-A.
Other names: c.1201G>A (LRG_380t1); short protein forms E401K.
Identifiers: ClinVar variation 66397 (VCV000066397.13), dbSNP rs57694264, ClinGen allele CA284671.
Genomic context (GRCh38, chr2:219,421,517, plus strand): 5'-ATGGCCCGCCATCTGCGCGAGTACCAGGACCTGCTCAACGTGAAGATGGCCCTGGATGTG[G>A]AGATTGCCACCTACCGGAAGCTGCTGGAGGGAGAGGAGAGCCGGTGAGGGGCCAGGCAGG-3'
Protein context (NP_001918.3, residues 391-411): LLNVKMALDV[Glu401Lys]IATYRKLLEG

ClinVar aggregate classification (germline): Likely pathogenic. Review status: criteria provided, multiple submitters, no conflicts (2 of 4 stars). 3 submissions from 3 submitters: Likely pathogenic (2). 1 of the submissions does not count toward it. Last evaluated 2021-03-09.

Conditions:
DES-related disorders.
Desmin-related myofibrillar myopathy (MFM1). Also called: Desminopathy; MYOFIBRILLAR MYOPATHY WITH ARRHYTHMOGENIC RIGHT VENTRICULAR CARDIOMYOPATHY; DESMIN-RELATED MYOPATHY WITH ARRHYTHMOGENIC RIGHT VENTRICULAR CARDIOMYOPATHY; Myofibrillar myopathy 1; Desmin related myopathy (former name); Desmin storage myopathy (former name). Identifiers: Orphanet 363543, Orphanet 98909, MedGen C1832370, MONDO:0011076, OMIM 601419.

Submissions (3):

Blueprint Genetics
Classification: Likely pathogenic for DES-related disorders. Last evaluated: 2021-03-09. Review status: criteria provided, single submitter. Criteria: ACMG Guidelines, 2015. Collection method: clinical testing. Allele origin: germline. Affected: yes. Observed: 1 variant allele.

Labcorp Genetics (formerly Invitae), Labcorp
Classification: Likely pathogenic for Desmin-related myofibrillar myopathy. Last evaluated: 2019-05-10. Review status: criteria provided, single submitter. Criteria: Invitae Variant Classification Sherloc (09022015). Collection method: clinical testing. Allele origin: germline.
Comment: In summary, the currently available evidence indicates that the variant is pathogenic, but additional data are needed to prove that conclusively. Therefore, this variant has been classified as Likely Pathogenic. This variant disrupts the p.Glu401 amino acid residue in DES. Other variant(s) that disrupt this residue have been determined to be pathogenic (PMID: 29212896). This suggests that this residue is clinically significant, and that variants that disrupt this residue are likely to be disease-causing. This variant has been reported to affect DES protein function (PMID: 21262226, 16865695). This variant has been observed in an individual affected with myopathy, dysphagia, cardiomyopathy, and respiratory weakness (PMID: 16865695). ClinVar contains an entry for this variant (Variation ID: 66397). This variant is not present in population databases (ExAC no frequency). This sequence change replaces glutamic acid with lysine at codon 401 of the DES protein (p.Glu401Lys). The glutamic acid residue is highly conserved and there is a small physicochemical difference between glutamic acid and lysine.

Epithelial Biology;  Institute of Medical Biology, Singapore
No classification provided. Review status: no classification provided. Collection method: not provided. Allele origin: not provided. Not counted in ClinVar's aggregate classification.

Literature cited by the submitters: PubMed 29212896 (cited by Labcorp Genetics (formerly Invitae), Labcorp); PubMed 21262226 (cited by Labcorp Genetics (formerly Invitae), Labcorp); PubMed 16865695 (cited by Labcorp Genetics (formerly Invitae), Labcorp).